The following is an entry in ClinVar:

NM_007294.4(BRCA1):c.829_836del (p.Asn277fs)

Gene: BRCA1 (BRCA1 DNA repair associated; minus strand). Cytogenetic location: 17q21.31.
Variant type: Deletion.
Coding change: c.829_836del on transcript NM_007294.4 (MANE Select); coding-DNA positions 829 to 836, 8 bases deleted (AATACTCA; older notation c.829_836delAATACTCA).
Protein change: p.Asn277fs; shifts the reading frame from asparagine 277.
Molecular consequence: frameshift variant. On other transcripts: 5 prime UTR variant (2), intron variant (137).
Genome position (GRCh38, 1-based): chr17:43,094,695-43,094,702, TGAGTATT deleted on the plus strand (AATACTCA on the coding strand, the reverse complement: BRCA1 is on the minus strand); deleting any 8 consecutive bases within chr17:43,094,695-43,094,704 gives the same sequence; the c. name uses the placement nearest the transcript's 3' end. VCF-style (leftmost placement, unchanged base first): chr17-43094694-ATGAGTATT-A. GRCh37 (hg19) VCF-style: chr17-41246711-ATGAGTATT-A.
Other names: 948_955del8; c.616_623del, p.Asn206fs (NM_001407571.1, NM_001407853.1, NM_001407894.1 and 9 more transcripts); c.829_836del, p.Asn277fs (NM_001407581.1, NM_001407582.1, NM_001407583.1 and 30 more transcripts); c.826_833del, p.Asn276fs (NM_001407587.1, NM_001407590.1, NM_001407591.1 and 22 more transcripts); c.820_827del, p.Asn274fs (NM_001407646.1, NM_001407647.1); c.706_713del, p.Asn236fs (NM_001407648.1, NM_001407664.1, NM_001407665.1 and 19 more transcripts); c.703_710del, p.Asn235fs (NM_001407649.1, NM_001407670.1, NM_001407671.1 and 11 more transcripts); c.751_758del, p.Asn251fs (NM_001407653.1, NM_001407654.1, NM_001407655.1 and 4 more transcripts); and 42 more; short protein forms N277fs, N230fs, N165fs, N188fs, N210fs, N229fs, N235fs, N109fs.
Identifiers: ClinVar variation 266584 (VCV000266584.6), dbSNP rs886040324, ClinGen allele CA10589987.

ClinVar aggregate classification (germline): Pathogenic. Review status: reviewed by expert panel (3 of 4 stars). 2 submissions from 2 submitters: Pathogenic (1). 1 of the submissions does not count toward it. Last evaluated 2016-10-18.

Conditions:
Breast-ovarian cancer, familial, susceptibility to, 1 (BROVCA1). Also called: BRCA1 Hereditary Breast and Ovarian Cancer; OVARIAN CANCER, SUSCEPTIBILITY TO. Identifiers: Orphanet 145, MedGen C2676676, MONDO:0011450, OMIM 604370. Disease mechanism: loss of function.

Submissions (2):

Evidence-based Network for the Interpretation of Germline Mutant Alleles (ENIGMA)
Classification: Pathogenic for Breast-ovarian cancer, familial, susceptibility to, 1. Last evaluated: 2016-10-18. Review status: reviewed by expert panel. Criteria: ENIGMA BRCA1/2 Classification Criteria (2015). Collection method: curation. Allele origin: germline.
Comment: Variant allele predicted to encode a truncated non-functional protein.

Consortium of Investigators of Modifiers of BRCA1/2 (CIMBA), c/o University of Cambridge
Classification: Pathogenic for Breast-ovarian cancer, familial, susceptibility to, 1. Last evaluated: 2015-10-02. Review status: criteria provided, single submitter. Criteria: CIMBA Mutation Classification guidelines May 2016. Collection method: clinical testing. Allele origin: germline. Not counted in ClinVar's aggregate classification.